The following is an entry in ClinVar:

ClinVar aggregate classification (germline): Uncertain significance. Review status: criteria provided, single submitter (1 of 4 stars). 2 submissions from 2 submitters: Uncertain significance (1). 1 of the submissions does not count toward it. Last evaluated 2025-05-27.

Conditions:
PTH1R-related disorder. Also called: PTH1R-related condition.

Allele frequency attached by ClinVar (database versions not stated): gnomAD exomes below 0.00001; TOPMed 0.00001; gnomAD 0.00002.
gnomAD v4.1: 9 of 1,612,294 alleles (0.00056%); highest among the groups gnomAD compares: Non-Finnish European, 0.00076%; no homozygotes.

Submissions (2):

Labcorp Genetics (formerly Invitae), Labcorp
Classification: Uncertain significance. Last evaluated: 2025-05-27. Review status: criteria provided, single submitter. Criteria: Invitae Variant Classification Sherloc (09022015). Collection method: clinical testing. Allele origin: germline.
Comment: This sequence change replaces alanine, which is neutral and non-polar, with threonine, which is neutral and polar, at codon 583 of the PTH1R protein (p.Ala583Thr). This variant is not present in population databases (gnomAD no frequency). This variant has not been reported in the literature in individuals affected with PTH1R-related conditions. ClinVar contains an entry for this variant (Variation ID: 2631091). An algorithm developed to predict the effect of missense changes on protein structure and function outputs the following: PolyPhen-2: "Benign". The threonine amino acid residue is found in multiple mammalian species, which suggests that this missense change does not adversely affect protein function. In summary, the available evidence is currently insufficient to determine the role of this variant in disease. Therefore, it has been classified as a Variant of Uncertain Significance.

PreventionGenetics, part of Exact Sciences
Classification: Uncertain significance for PTH1R-related condition. Last evaluated: 2024-07-25. Review status: no assertion criteria provided. Collection method: clinical testing. Allele origin: germline. Not counted in ClinVar's aggregate classification.
Comment: The PTH1R c.1747G>A variant is predicted to result in the amino acid substitution p.Ala583Thr. To our knowledge, this variant has not been reported in the literature. This variant is reported in 0.0016% of alleles in individuals of European (Non-Finnish) descent in gnomAD. At this time, the clinical significance of this variant is uncertain due to the absence of conclusive functional and genetic evidence.

NM_000316.3(PTH1R):c.1747G>A (p.Ala583Thr)

Gene: PTH1R (parathyroid hormone 1 receptor; plus strand). Cytogenetic location: 3p21.31.
Variant type: single nucleotide variant.
Coding change: c.1747G>A on transcript NM_000316.3 (MANE Select); coding-DNA position 1747, G replaced by A.
Protein change: p.Ala583Thr; replaces alanine 583 with threonine.
Molecular consequence: missense variant.
Genome position (GRCh38, 1-based): chr3:46,903,621, G>A. VCF-style: chr3-46903621-G-A. GRCh37 (hg19) VCF-style: chr3-46945111-G-A.
Other names: c.1747G>A, p.Ala583Thr (NM_001184744.1); short protein forms A583T.
Identifiers: ClinVar variation 2631091 (VCV002631091.4), dbSNP rs1268612279, ClinGen allele CA352504201.